The following is an entry in ClinVar:

NM_024757.5(EHMT1):c.85+5G>A

Gene: EHMT1 (euchromatic histone lysine methyltransferase 1; plus strand). Cytogenetic location: 9q34.3.
Variant type: single nucleotide variant.
Coding change: c.85+5G>A on transcript NM_024757.5 (MANE Select); 5 bases into the intron after coding-DNA position 85, G replaced by A.
Molecular consequence: intron variant.
Genome position (GRCh38, 1-based): chr9:137,711,035, G>A. VCF-style: chr9-137711035-G-A. GRCh37 (hg19) VCF-style: chr9-140605487-G-A.
Other names: c.85+5G>A (NM_001354263.2, NM_001145527.2, NM_001354611.2); c.-8-5591G>A (NM_001354259.2, NM_001354612.2).
Identifiers: ClinVar variation 1312834 (VCV001312834.3), dbSNP rs2135389328, ClinGen allele CA2573053151.

ClinVar aggregate classification (germline): Uncertain significance. Review status: criteria provided, multiple submitters, no conflicts (2 of 4 stars). 2 submissions from 2 submitters: Uncertain significance (2). Last evaluated 2024-07-18.

Allele frequency attached by ClinVar (database versions not stated): gnomAD exomes below 0.00001.
gnomAD v4.1: 2 of 1,588,204 alleles (0.00013%); highest among the groups gnomAD compares: Non-Finnish European, 0.00017%; no homozygotes.

Submissions (2):

Blueprint Genetics
Classification: Uncertain significance. Last evaluated: 2024-07-18. Review status: criteria provided, single submitter. Criteria: ACMG Guidelines, 2015. Collection method: clinical testing. Allele origin: germline.

GeneDx
Classification: Uncertain significance. Last evaluated: 2020-06-30. Review status: criteria provided, single submitter. Criteria: GeneDx Variant Classification Process June 2021. Collection method: clinical testing. Allele origin: germline. Affected: yes.
Comment: Not observed in large population cohorts (Lek et al., 2016); In-silico analysis, which includes splice predictors and evolutionary conservation, is inconclusive as to whether the variant alters gene splicing. In the absence of RNA/functional studies, the actual effect of this sequence change is unknown.; Has not been previously published as pathogenic or benign to our knowledge